The following is an entry in ClinVar:

ClinVar aggregate classification (germline): Uncertain significance (1 of 4 stars; one submission).

gnomAD v4.1: 1 of 1,613,766 alleles (0.000062%); highest among the groups gnomAD compares: Non-Finnish European, 0.000085%; no homozygotes.

Submission:

Ambry Genetics
Classification: Uncertain significance. Last evaluated: 2025-12-16. Review status: criteria provided, single submitter. Criteria: Ambry Variant Classification Scheme 2023. Collection method: clinical testing. Allele origin: germline.
Comment: The p.I307N variant (also known as c.920T>A), located in coding exon 6 of the CTNNA3 gene, results from a T to A substitution at nucleotide position 920. The isoleucine at codon 307 is replaced by asparagine, an amino acid with dissimilar properties. This amino acid position is conserved. In addition, the in silico prediction for this alteration is inconclusive. Based on the available evidence, the clinical significance of this variant remains unclear.

NM_013266.4(CTNNA3):c.920T>A (p.Ile307Asn)

Gene: CTNNA3 (catenin alpha 3; minus strand). Cytogenetic location: 10q21.3.
Variant type: single nucleotide variant.
Coding change: c.920T>A on transcript NM_013266.4 (MANE Select); coding-DNA position 920, T replaced by A.
Protein change: p.Ile307Asn; replaces isoleucine 307 with asparagine.
Molecular consequence: missense variant.
Genome position (GRCh38, 1-based): chr10:67,180,444, A>T on the plus strand (T>A on the coding strand, the complement: CTNNA3 is on the minus strand). VCF-style: chr10-67180444-A-T. GRCh37 (hg19) VCF-style: chr10-68940202-A-T.
Other names: c.920T>A, p.Ile307Asn (NM_001127384.3); c.956T>A, p.Ile319Asn (NM_001291133.2); short protein forms I319N, I307N.
Identifiers: ClinVar variation 4826553 (VCV004826553.1).